The following is an entry in ClinVar:

ClinVar aggregate classification (germline): Pathogenic (1 of 4 stars; one submission).

Conditions:
Finnish congenital nephrotic syndrome (NPHS1). Also called: NEPHROTIC SYNDROME, TYPE 1. Identifiers: Orphanet 839, MedGen C0403399, MONDO:0009732, OMIM 256300.

Submission:

Natera, Inc.
Classification: Pathogenic for Finnish congenital nephrotic syndrome. Last evaluated: 2025-12-08. Review status: criteria provided, single submitter. Criteria: Natera Variant Classification Schema (03/2026). Collection method: clinical testing. Allele origin: germline.
Comment: The c.1338del variant in NPHS1 is a frameshift variant predicted to shift the reading frame beginning at codon 446 and leads to a stop codon 16 codons downstream. This variant is expected to result in nonsense mediated decay, truncation, or a dysfunctional protein product. This variant is rare in the general population with a frequency below the threshold expected for the associated phenotype(s). This variant has been observed in one or more individuals affected with the associated recessive disease, as either homozygous or compound heterozygous with a second variant (PMID: 36685964). Given the available evidence, this variant is classified as Pathogenic.

Literature cited by the submitters: PubMed 36685964.

NM_004646.4(NPHS1):c.1338del (p.Ile446fs)

Gene: NPHS1 (NPHS1 adhesion molecule, nephrin; minus strand). Cytogenetic location: 19q13.12.
Variant type: Deletion.
Coding change: c.1338del on transcript NM_004646.4 (MANE Select); coding-DNA position 1338, one base deleted (T; older notation c.1338delT).
Protein change: p.Ile446fs; shifts the reading frame from isoleucine 446.
Molecular consequence: frameshift variant.
Genome position (GRCh38, 1-based): chr19:35,848,143, A deleted on the plus strand (T on the coding strand, the reverse complement: NPHS1 is on the minus strand); the first of 2 consecutive A bases (chr19:35,848,143-35,848,144); deleting either gives the same sequence. VCF-style (leftmost placement, unchanged base first): chr19-35848142-CA-C. GRCh37 (hg19) VCF-style: chr19-36339044-CA-C.
Other names: c.1337delT, p.Ile446Metfs (NM_004646.3); short protein forms I446fs.
Identifiers: ClinVar variation 4815376 (VCV004815376.1).